The following is an entry in ClinVar:

ClinVar aggregate classification (germline): Uncertain significance. Review status: criteria provided, multiple submitters, no conflicts (2 of 4 stars). 4 submissions from 4 submitters: Uncertain significance (4). Last evaluated 2025-06-02.

Conditions:
Cardiovascular phenotype. Identifiers: MedGen CN230736.
Cardiomyopathy, dilated, with wooly hair, keratoderma, and tooth agenesis. Also called: Erythrokeratodermia-cardiomyopathy syndrome; Cardiomyopathy, dilated, with woolly hair, keratoderma, and tooth agenesis. Identifiers: Orphanet 476096, Orphanet 65282, MedGen C4014393, MONDO:0014355, OMIM 615821.
Lethal acantholytic epidermolysis bullosa (EBLA). Identifiers: Orphanet 158687, MedGen C1864826, MONDO:0012323, OMIM 609638.
Arrhythmogenic cardiomyopathy with wooly hair and keratoderma. Also called: Carvajal syndrome; Dilated cardiomyopathy with woolly hair and keratoderma; Arrhythmogenic cardiomyopathy with woolly hair and keratoderma; PALMOPLANTAR KERATODERMA WITH LEFT VENTRICULAR CARDIOMYOPATHY AND WOOLLY HAIR. Identifiers: Orphanet 65282, MedGen C1854063, MONDO:0011581, OMIM 605676.
Woolly hair-skin fragility syndrome (WHSF). Identifiers: Orphanet 293165, MedGen C1843292, MONDO:0957307, OMIM 620415.
Keratosis palmoplantaris striata 2. Also called: KERATODERMA, PALMOPLANTAR, STRIATE FORM II; STRIATE PALMOPLANTAR KERATODERMA II; Keratosis palmoplantaris striata II. Identifiers: MedGen C1852127, MONDO:0013034, OMIM 612908.
Arrhythmogenic right ventricular dysplasia 8 (ARVD8). Also called: ARRHYTHMOGENIC RIGHT VENTRICULAR DYSPLASIA, FAMILIAL, 8; ARRHYTHMOGENIC RIGHT VENTRICULAR CARDIOMYOPATHY 8; Arrhythmogenic Right Ventricular Dysplasia/Cardiomyopathy 8. Identifiers: MedGen C1843896, MONDO:0011831, OMIM 607450.

Submissions (4):

Women's Health and Genetics/Laboratory Corporation of America, LabCorp
Classification: Uncertain significance. Last evaluated: 2025-06-02. Review status: criteria provided, single submitter. Criteria: LabCorp Variant Classification Summary - May 2015. Collection method: clinical testing. Allele origin: germline.
Comment: Variant summary: DSP c.1483_1485delinsTTT (p.Val495Phe) results in a non-conservative amino acid change in the encoded protein sequence. Algorithms developed to predict the effect of missense changes on protein structure and function are either unavailable or do not agree on the potential impact of this missense change. The variant was absent in 251462 control chromosomes (gnomAD). The available data on variant occurrences in the general population are insufficient to allow any conclusion about variant significance. To our knowledge, no occurrence of c.1483_1485delinsTTT in individuals affected with Arrhythmogenic Right Ventricular Dysplasia/Cardiomyopathy and no experimental evidence demonstrating its impact on protein function have been reported. ClinVar contains an entry for this variant (Variation ID: 422139). Based on the evidence outlined above, the variant was classified as uncertain significance.

GeneDx
Classification: Uncertain significance. Last evaluated: 2023-05-04. Review status: criteria provided, single submitter. Criteria: GeneDx Variant Classification Process June 2021. Collection method: clinical testing. Allele origin: germline. Affected: yes.
Comment: Has not been previously published as pathogenic or benign to our knowledge; Not observed at significant frequency in large population cohorts (gnomAD); In silico analysis supports a deleterious effect on protein structure/function

Fulgent Genetics
Classification: Uncertain significance for Arrhythmogenic cardiomyopathy with wooly hair and keratoderma; Arrhythmogenic right ventricular dysplasia 8; Lethal acantholytic epidermolysis bullosa; Keratosis palmoplantaris striata 2; Cardiomyopathy, dilated, with wooly hair, keratoderma, and tooth agenesis. Last evaluated: 2021-09-07. Review status: criteria provided, single submitter. Criteria: ACMG Guidelines, 2015. Collection method: clinical testing. Allele origin: unknown.

Ambry Genetics
Classification: Uncertain significance for Cardiovascular phenotype. Last evaluated: 2018-07-17. Review status: criteria provided, single submitter. Criteria: Ambry Variant Classification Scheme 2023. Collection method: clinical testing. Allele origin: germline.
Comment: The c.1483_1485delGTGinsTTT variant (also known as p.V495F), located in coding exon 12 of the DSP gene, results from an in-frame deletion of GTG and insertion of TTT at nucleotide positions 1483 to 1485. This results in the substitution of the valine residue for a phenylalanine residue at codon 495, an amino acid with highly similar properties. This amino acid position is highly conserved in available vertebrate species. Since supporting evidence is limited at this time, the clinical significance of this alteration remains unclear.

NM_004415.4(DSP):c.1483_1485delinsTTT (p.Val495Phe)

Gene: DSP (desmoplakin; plus strand). Cytogenetic location: 6p24.3.
Variant type: Indel.
Coding change: c.1483_1485delinsTTT on transcript NM_004415.4 (MANE Select); coding-DNA positions 1483 to 1485, GTG replaced by TTT.
Protein change: p.Val495Phe; replaces valine 495 with phenylalanine.
Molecular consequence: missense variant.
Genome position (GRCh38, 1-based): chr6:7,569,249-7,569,251, GTG replaced by TTT. VCF-style: chr6-7569249-GTG-TTT. GRCh37 (hg19) VCF-style: chr6-7569482-GTG-TTT.
Other names: c.1483_1485delGTGinsTTT (LRG_423t1, NM_004415.2); c.1483_1485delinsTTT, p.Val495Phe (NM_001008844.3, NM_001319034.2); short protein forms V495F.
Identifiers: ClinVar variation 422139 (VCV000422139.11), dbSNP rs1064795582, ClinGen allele CA16618318.